The following is an entry in ClinVar:

ClinVar aggregate classification (germline): Likely benign. Review status: criteria provided, multiple submitters, no conflicts (2 of 4 stars). 2 submissions from 2 submitters: Likely benign (2). Last evaluated 2026-04-01.

Submissions (2):

CeGaT Center for Human Genetics Tuebingen
Classification: Likely benign. Last evaluated: 2026-04-01. Review status: criteria provided, single submitter. Criteria: CeGaT Center For Human Genetics Tuebingen Variant Classification Criteria Version 2. Collection method: clinical testing. Allele origin: germline. Affected: yes. Observed: 1 variant allele.
Comment: FMN2: PM4, BS1

Blueprint Genetics
Classification: Likely benign. Last evaluated: 2024-09-02. Review status: criteria provided, single submitter. Criteria: ACMG Guidelines, 2015. Collection method: clinical testing. Allele origin: germline.

NM_020066.5(FMN2):c.2835_2858dup (p.Ala952_Ile953insMetProProLeuProGlyAlaAla)

Gene: FMN2 (formin 2; plus strand). Cytogenetic location: 1q43.
Variant type: Duplication.
Coding change: c.2835_2858dup on transcript NM_020066.5 (MANE Select); coding-DNA positions 2835 to 2858, 24 bases duplicated (GCCCCCTCTACCCGGAGCGGCAAT).
Protein change: p.Ala952_Ile953insMetProProLeuProGlyAlaAla.
Molecular consequence: inframe insertion. On other transcripts: intron variant (1).
Genome position (GRCh38, 1-based): chr1:240,207,647-240,207,670, GCCCCCTCTACCCGGAGCGGCAAT duplicated. VCF-style (leftmost placement, unchanged base first): chr1-240207646-C-CGCCCCCTCTACCCGGAGCGGCAAT. GRCh37 (hg19) VCF-style: chr1-240370946-C-CGCCCCCTCTACCCGGAGCGGCAAT.
Other names: c.2847_2870dup, p.Ala956_Ile957insMetProProLeuProGlyAlaAla (NM_001305424.2); c.1986+19385_1986+19408dup (NM_001348094.2).
Identifiers: ClinVar variation 4872899 (VCV004872899.3).